The following is an entry in ClinVar:

ClinVar aggregate classification (germline): Uncertain significance (1 of 4 stars; one submission).

Conditions:
Generalized epilepsy-paroxysmal dyskinesia syndrome (PNKD3). Also called: Generalized epilepsy and paroxysmal dyskinesia; Paroxysmal nonkinesigenic dyskinesia, 3, with or without generalized epilepsy. Identifiers: Orphanet 79137, MedGen C5574945, MONDO:0012276, OMIM 609446.

Submission:

Labcorp Genetics (formerly Invitae), Labcorp
Classification: Uncertain significance for Generalized epilepsy-paroxysmal dyskinesia syndrome. Last evaluated: 2024-11-19. Review status: criteria provided, single submitter. Criteria: Invitae Variant Classification Sherloc (09022015). Collection method: clinical testing. Allele origin: germline.
Comment: This sequence change replaces asparagine, which is neutral and polar, with aspartic acid, which is acidic and polar, at codon 3 of the KCNMA1 protein (p.Asn3Asp). This variant is not present in population databases (gnomAD no frequency). This variant has not been reported in the literature in individuals affected with KCNMA1-related conditions. Experimental studies and prediction algorithms are not available or were not evaluated, and the functional significance of this variant is currently unknown. In summary, the available evidence is currently insufficient to determine the role of this variant in disease. Therefore, it has been classified as a Variant of Uncertain Significance.

NM_001161352.2(KCNMA1):c.7A>G (p.Asn3Asp)

Gene: KCNMA1 (potassium calcium-activated channel subfamily M alpha 1; minus strand). Cytogenetic location: 10q22.3.
Variant type: single nucleotide variant.
Coding change: c.7A>G on transcript NM_001161352.2 (MANE Select); coding-DNA position 7, A replaced by G.
Protein change: p.Asn3Asp; replaces asparagine 3 with aspartic acid.
Molecular consequence: missense variant.
Genome position (GRCh38, 1-based): chr10:77,637,636, T>C on the plus strand (A>G on the coding strand, the complement: KCNMA1 is on the minus strand). VCF-style: chr10-77637636-T-C. GRCh37 (hg19) VCF-style: chr10-79397394-T-C.
Other names: c.7A>G, p.Asn3Asp (NM_001014797.3, NM_001161353.2, NM_001271518.2 and 13 more transcripts); short protein forms N3D.
Identifiers: ClinVar variation 3723664 (VCV003723664.2).
Genomic context (GRCh38, chr10:77,637,636, plus strand): 5'-GACTGCTGCCTCCGCCGCCGCCGCCGCCGCCGCTGCTGCCGCCGCCGCCGCCGCCACCAT[T>C]TGCCATAGCTAGCAACGGGCAGCCGGCGCAGGGGCTCGGGGGAGCTCCTCCCGCCGCCAG-3'
Protein context (NP_001154824.1, residues 1-13): MA[Asn3Asp]GGGGGGGSSG